The following is an entry in ClinVar:

NM_000701.8(ATP1A1):c.1639G>A (p.Gly547Ser)

Genes: ATP1A1 (ATPase Na+/K+ transporting subunit alpha 1; plus strand), ATP1A1-AS1 (ATP1A1 antisense RNA 1; minus strand). Cytogenetic location: 1p13.1.
Variant type: single nucleotide variant.
Coding change: c.1639G>A on transcript NM_000701.8 (MANE Select); coding-DNA position 1639, G replaced by A.
Protein change: p.Gly547Ser; replaces glycine 547 with serine.
Molecular consequence: missense variant.
Genome position (GRCh38, 1-based): chr1:116,393,702, G>A. VCF-style: chr1-116393702-G-A. GRCh37 (hg19) VCF-style: chr1-116936324-G-A.
Other names: c.1639G>A, p.Gly547Ser (NM_001160233.2); c.1546G>A, p.Gly516Ser (NM_001160234.2); short protein forms G516S, G547S.
Identifiers: ClinVar variation 1718833 (VCV001718833.5), dbSNP rs2525854184, ClinGen allele CA341771264.
Genomic context (GRCh38, chr1:116,393,702, plus strand): 5'-GAGCAGCCCCTGGATGAGGAGCTGAAAGACGCCTTTCAGAACGCCTATTTGGAGCTGGGG[G>A]GCCTCGGAGAACGAGTCCTAGGTATGCAGATAACCTGGTAACAGAGTGCCTGGGCACGTT-3'
Protein context (NP_000692.2, residues 537-557): AFQNAYLELG[Gly547Ser]LGERVLGFCH

ClinVar aggregate classification (germline): Uncertain significance (1 of 4 stars; one submission).

Allele frequency attached by ClinVar (database versions not stated): gnomAD exomes below 0.00001.

Submission:

Labcorp Genetics (formerly Invitae), Labcorp
Classification: Uncertain significance. Last evaluated: 2022-09-06. Review status: criteria provided, single submitter. Criteria: Invitae Variant Classification Sherloc (09022015). Collection method: clinical testing. Allele origin: germline.
Comment: In summary, the available evidence is currently insufficient to determine the role of this variant in disease. Therefore, it has been classified as a Variant of Uncertain Significance. Algorithms developed to predict the effect of missense changes on protein structure and function are either unavailable or do not agree on the potential impact of this missense change (SIFT: "Deleterious"; PolyPhen-2: "Possibly Damaging"; Align-GVGD: "Class C0"). This variant has not been reported in the literature in individuals affected with ATP1A1-related conditions. This variant is not present in population databases (gnomAD no frequency). This sequence change replaces glycine, which is neutral and non-polar, with serine, which is neutral and polar, at codon 547 of the ATP1A1 protein (p.Gly547Ser).